The following is an entry in ClinVar:

ClinVar aggregate classification (germline): Uncertain significance. Review status: criteria provided, multiple submitters, no conflicts (2 of 4 stars). 2 submissions from 2 submitters: Uncertain significance (2). Last evaluated 2023-01-16.

Conditions:
Cardiovascular phenotype. Identifiers: MedGen CN230736.
Arrhythmogenic right ventricular dysplasia 11. Also called: Arrhythmogenic Right Ventricular Dysplasia/Cardiomyopathy11; ARRHYTHMOGENIC RIGHT VENTRICULAR DYSPLASIA, FAMILIAL, 11; Arrhythmogenic right ventricular dysplasia 11 with mild palmoplantar keratoderma and woolly hair. Identifiers: MedGen C1864850, MONDO:0012506, OMIM 610476.

Submissions (2):

Ambry Genetics
Classification: Uncertain significance for Cardiovascular phenotype. Last evaluated: 2023-01-16. Review status: criteria provided, single submitter. Criteria: Ambry Variant Classification Scheme 2023. Collection method: clinical testing. Allele origin: germline.
Comment: The p.V647I variant (also known as c.1939G>A), located in coding exon 13 of the DSC2 gene, results from a G to A substitution at nucleotide position 1939. The valine at codon 647 is replaced by isoleucine, an amino acid with highly similar properties. This amino acid position is conserved. In addition, this alteration is predicted to be tolerated by in silico analysis. Since supporting evidence is limited at this time, the clinical significance of this alteration remains unclear.

Labcorp Genetics (formerly Invitae), Labcorp
Classification: Uncertain significance for Arrhythmogenic right ventricular dysplasia 11. Last evaluated: 2022-06-10. Review status: criteria provided, single submitter. Criteria: Invitae Variant Classification Sherloc (09022015). Collection method: clinical testing. Allele origin: germline.
Comment: In summary, the available evidence is currently insufficient to determine the role of this variant in disease. Therefore, it has been classified as a Variant of Uncertain Significance. Algorithms developed to predict the effect of missense changes on protein structure and function output the following: SIFT: "Tolerated"; PolyPhen-2: "Benign"; Align-GVGD: "Class C0". The isoleucine amino acid residue is found in multiple mammalian species, which suggests that this missense change does not adversely affect protein function. This variant has not been reported in the literature in individuals affected with DSC2-related conditions. This variant is not present in population databases (gnomAD no frequency). This sequence change replaces valine, which is neutral and non-polar, with isoleucine, which is neutral and non-polar, at codon 647 of the DSC2 protein (p.Val647Ile).

NM_024422.6(DSC2):c.1939G>A (p.Val647Ile)

Gene: DSC2 (desmocollin 2; minus strand). Cytogenetic location: 18q12.1.
Variant type: single nucleotide variant.
Coding change: c.1939G>A on transcript NM_024422.6 (MANE Select); coding-DNA position 1939, G replaced by A.
Protein change: p.Val647Ile; replaces valine 647 with isoleucine.
Molecular consequence: missense variant.
Genome position (GRCh38, 1-based): chr18:31,071,791, C>T on the plus strand (G>A on the coding strand, the complement: DSC2 is on the minus strand). VCF-style: chr18-31071791-C-T. GRCh37 (hg19) VCF-style: chr18-28651757-C-T.
Other names: c.1939G>A (NM_024422.3); c.1510G>A, p.Val504Ile (NM_001406506.1, NM_001406507.1); c.1939G>A, p.Val647Ile (NM_004949.5); short protein forms V504I, V647I.
Identifiers: ClinVar variation 2056257 (VCV002056257.6), dbSNP rs2510940655, ClinGen allele CA402113336.